The following is an entry in ClinVar:

NM_001370259.2(MEN1):c.982C>T (p.His328Tyr)

Gene: MEN1 (menin 1; minus strand). Cytogenetic location: 11q13.1.
Variant type: single nucleotide variant.
Coding change: c.982C>T on transcript NM_001370259.2 (MANE Select); coding-DNA position 982, C replaced by T.
Protein change: p.His328Tyr; replaces histidine 328 with tyrosine.
Molecular consequence: missense variant.
Genome position (GRCh38, 1-based): chr11:64,806,299, G>A on the plus strand (C>T on the coding strand, the complement: MEN1 is on the minus strand). VCF-style: chr11-64806299-G-A. GRCh37 (hg19) VCF-style: chr11-64573771-G-A.
Other names: c.997C>T, p.His333Tyr (NM_000244.4, NM_130800.3, NM_130801.3 and 3 more transcripts); c.982C>T, p.His328Tyr (NM_001370251.2, NM_001370260.2, NM_001370261.2 and 1 more transcripts); c.877C>T, p.His293Tyr (NM_001370262.2, NM_001370263.2); c.982C>T (NM_130799.2); short protein forms H293Y, H328Y, H333Y.
Identifiers: ClinVar variation 1522113 (VCV001522113.8), dbSNP rs794727882, ClinGen allele CA381183313.
Genomic context (GRCh38, chr11:64,806,299, plus strand): 5'-TGACAGTGGCCGTGTCCGCCCAGGCCTGCAGGGCTTCCCGCACATTGCGGTTGCGACAGT[G>A]GTAGCCAGCCAGGTACATGTAGGGGTAGATGTGTTCATCCCGATAGTAGGTCTTGGCTGA-3'
Protein context (NP_001357188.2, residues 318-338): IYPYMYLAGY[His328Tyr]CRNRNVREAL

ClinVar aggregate classification (germline): Uncertain significance. Review status: criteria provided, multiple submitters, no conflicts (2 of 4 stars). 2 submissions from 2 submitters: Uncertain significance (2). Last evaluated 2026-08-07.

Conditions:
Hereditary cancer-predisposing syndrome. Also called: Hereditary Cancer Syndrome; Tumor predisposition; Neoplastic Syndromes, Hereditary; Hereditary neoplastic syndrome. Identifiers: Orphanet 140162, MedGen C0027672, MeSH D009386, MONDO:0015356.
Multiple endocrine neoplasia, type 1 (MEN1). Also called: MEN I; WERMER SYNDROME; Endocrine adenomatosis multiple; MEN 1; MEA I. Identifiers: Orphanet 652, MedGen C0025267, MeSH D018761, MONDO:0007540, OMIM 131100.

Allele frequency attached by ClinVar (database versions not stated): gnomAD exomes below 0.00001.
gnomAD v4.1: 2 of 1,614,210 alleles (0.00012%); highest among the groups gnomAD compares: South Asian, 0.0011%; no homozygotes.

Submissions (2):

Ambry Genetics
Classification: Uncertain significance for Hereditary cancer-predisposing syndrome. Last evaluated: 2026-08-07. Review status: criteria provided, single submitter. Criteria: Ambry Variant Classification Scheme 2023. Collection method: clinical testing. Allele origin: germline.
Comment: The p.H328Y variant (also known as c.982C>T), located in coding exon 6 of the MEN1 gene, results from a C to T substitution at nucleotide position 982. The histidine at codon 328 is replaced by tyrosine, an amino acid with similar properties. This amino acid position is highly conserved in available vertebrate species. In addition, this alteration is predicted to be deleterious by in silico analysis. Based on the available evidence, the clinical significance of this variant remains unclear.

Labcorp Genetics (formerly Invitae), Labcorp
Classification: Uncertain significance for Multiple endocrine neoplasia, type 1. Last evaluated: 2021-12-24. Review status: criteria provided, single submitter. Criteria: Invitae Variant Classification Sherloc (09022015). Collection method: clinical testing. Allele origin: germline.
Comment: In summary, the available evidence is currently insufficient to determine the role of this variant in disease. Therefore, it has been classified as a Variant of Uncertain Significance. Algorithms developed to predict the effect of missense changes on protein structure and function (SIFT, PolyPhen-2, Align-GVGD) all suggest that this variant is likely to be tolerated. This variant has not been reported in the literature in individuals affected with MEN1-related conditions. This variant is not present in population databases (gnomAD no frequency). This sequence change replaces histidine, which is basic and polar, with tyrosine, which is neutral and polar, at codon 328 of the MEN1 protein (p.His328Tyr).